The following is an entry in ClinVar:

ClinVar aggregate classification (germline): Conflicting classifications of pathogenicity. Review status: criteria provided, conflicting classifications (1 of 4 stars). 11 submissions from 11 submitters: Uncertain significance (3); Likely benign (7). 1 of the submissions does not count toward it. Last evaluated 2026-06-01.

Conditions:
Cardiovascular phenotype. Identifiers: MedGen CN230736.
LDB3-related disorder. Also called: LDB3-related condition.
Myofibrillar myopathy 4. Also called: Zaspopathy (type). Identifiers: Orphanet 98912, MedGen C4721886, MONDO:0012277, OMIM 609452.
Dilated cardiomyopathy 1C (CMD1C). Also called: CARDIOMYOPATHY, DILATED, 1C, WITH OR WITHOUT LEFT VENTRICULAR NONCOMPACTION; Cardiomyopathy, dilated, 1C, with or without LVNC. Identifiers: Orphanet 154, Orphanet 54260, MedGen C1832244, MONDO:0011094, OMIM 601493.
Cardiomyopathy (CMYO). Also called: Cardiomyopathies. Identifiers: Orphanet 167848, MedGen C0878544, MONDO:0004994, HP:0001638. Inheritance: Various modes of inheritance.

Allele frequency attached by ClinVar (database versions not stated): ESP Exome Variant Server 0.00038; gnomAD exomes 0.00039 and 0.00035; ExAC 0.00040; gnomAD 0.00036 and 0.00035; TOPMed 0.00037.
gnomAD v4.1: 604 of 1,598,880 alleles (0.038%); highest among the groups gnomAD compares: Non-Finnish European, 0.05%; 2 homozygotes.

Submissions (11):

CeGaT Center for Human Genetics Tuebingen
Classification: Likely benign. Last evaluated: 2026-06-01. Review status: criteria provided, single submitter. Criteria: CeGaT Center For Human Genetics Tuebingen Variant Classification Criteria Version 2. Collection method: clinical testing. Allele origin: germline. Affected: yes. Observed: 8 variant alleles.
Comment: LDB3: BP4, BS2

Labcorp Genetics (formerly Invitae), Labcorp
Classification: Likely benign for Myofibrillar myopathy 4. Last evaluated: 2026-01-28. Review status: criteria provided, single submitter. Criteria: Invitae Variant Classification Sherloc (09022015). Collection method: clinical testing. Allele origin: germline.

Blueprint Genetics
Classification: Likely benign. Last evaluated: 2024-11-22. Review status: criteria provided, single submitter. Criteria: ACMG Guidelines, 2015. Collection method: clinical testing. Allele origin: germline.

Women's Health and Genetics/Laboratory Corporation of America, LabCorp
Classification: Likely benign. Last evaluated: 2024-11-04. Review status: criteria provided, single submitter. Criteria: LabCorp Variant Classification Summary - May 2015. Collection method: clinical testing. Allele origin: germline.
Comment: Variant summary: LDB3 c.664G>A (p.Ala222Thr) results in a non-conservative amino acid change in the encoded protein sequence. Three of five in-silico tools predict a benign effect of the variant on protein function. The variant allele was found at a frequency of 0.00035 in 239460 control chromosomes, predominantly at a frequency of 0.00071 within the Non-Finnish European subpopulation in the gnomAD database. The observed variant frequency within Non-Finnish European control individuals in the gnomAD database is approximately 28.4 fold of the estimated maximal expected allele frequency for a pathogenic variant in LDB3 causing Cardiomyopathy phenotype (2.5e-05). c.664G>A has been reported in the literature in individuals affected with sporadic inclusion body myositis, myofibrillar myopathy, left ventricular non-compaction, and pediatric primary cardiomyopathy; in three cases a pathogenic variant in a different gene was reported in the patients which could explain their phenotype, supporting a benign role for LDB3 c.664G>A (Weihl_2015, Semmler_2014, Miszalski-Jamka_2017, Kuhnisch_2019, Kovacs_2023). To our knowledge, no experimental evidence demonstrating an impact on protein function has been reported. The following publications have been ascertained in the context of this evaluation (PMID: 37579221, 31568572, 28798025, 25208129, 25617006). ClinVar contains an entry for this variant (Variation ID: 45551). Based on the evidence outlined above, the variant was classified as likely benign.

Ambry Genetics
Classification: Likely benign for Cardiovascular phenotype. Last evaluated: 2022-05-23. Review status: criteria provided, single submitter. Criteria: Ambry Variant Classification Scheme 2023. Collection method: clinical testing. Allele origin: germline.

GeneDx
Classification: Likely benign. Last evaluated: 2020-06-01. Review status: criteria provided, single submitter. Criteria: GeneDx Variant Classification Process June 2021. Collection method: clinical testing. Allele origin: germline. Affected: yes.
Comment: Identified independently and in conjunction with additional variants in individuals with various cardiac phenotypes in published literature and tested at GeneDx; however, segregation data are limited at this time and this variant was also identified in control populations (Semmler et al., 2014; Lopes et al., 2015; Miszalski-Jamka et al., 2017); In silico analysis, which includes splice predictors and evolutionary conservation, supports that this variant does not alter protein structure/function; This variant is associated with the following publications: (PMID: 25351510, 25208129, 28798025, 25617006)

ARUP Laboratories, Molecular Genetics and Genomics, ARUP Laboratories
Classification: Uncertain significance. Last evaluated: 2019-11-08. Review status: criteria provided, single submitter. Criteria: ARUP Molecular Germline Variant Investigation Process. Collection method: clinical testing. Allele origin: germline.
Comment: The LDB3 c.664G>A; p.Ala222Thr variant (rs139922045) is reported in the literature in individuals affected with hypertrophic cardiomyopathy, left ventricular noncompaction, myofibrillar myopathy, or inclusion body sinusitis, although it was not demonstrated to cause disease in these individuals (Lopes 2015, Miszalski-Jamka 2017, Semmler 2014, Weihl 2015). This variant is found in the non-Finnish European population with an overall allele frequency of 0.07% (93/124816 alleles) in the Genome Aggregation Database, and it is reported in ClinVar (Variation ID: 45551). The alanine at codon 222 is highly conserved, but computational analyses (SIFT, PolyPhen-2) predict that this variant is tolerated. Given the lack of clinical and functional data, the significance of the p.Ala222Thr variant is uncertain at this time. References: Lopes LR et al. Novel genotype-phenotype associations demonstrated by high-throughput sequencing in patients with hypertrophic cardiomyopathy. Heart. 2015 Feb;101(4):294-301. Miszalski-Jamka K et al. Novel Genetic Triggers and Genotype-Phenotype Correlations in Patients With Left Ventricular Noncompaction. Circ Cardiovasc Genet. 2017 Aug;10(4). Semmler AL et al. Unusual multisystemic involvement and a novel BAG3 mutation revealed by NGS screening in a large cohort of myofibrillar myopathies. Orphanet J Rare Dis. 2014 Aug 1;9:121. Weihl CC et al. Targeted sequencing and identification of genetic variants in sporadic inclusion body myositis. Neuromuscul Disord. 2015 Apr;25(4):289-96.

CHEO Genetics Diagnostic Laboratory, Children's Hospital of Eastern Ontario
Classification: Likely benign for Cardiomyopathy. Last evaluated: 2019-06-25. Review status: criteria provided, single submitter. Criteria: ACMG Guidelines, 2015. Collection method: clinical testing. Allele origin: germline.

Fulgent Genetics
Classification: Uncertain significance for Dilated cardiomyopathy 1C; Myofibrillar myopathy 4. Last evaluated: 2018-10-31. Review status: criteria provided, single submitter. Criteria: ACMG Guidelines, 2015. Collection method: clinical testing. Allele origin: unknown.

Laboratory for Molecular Medicine, Mass General Brigham Personalized Medicine
Classification: Uncertain significance. Last evaluated: 2014-04-22. Review status: criteria provided, single submitter. Criteria: LMM Criteria. Collection method: clinical testing. Allele origin: germline. Observed: 3 variant alleles.
Comment: Variant classified as Uncertain Significance - Favor Benign. This variant has also been identified in 4/8600 of European American c hromosomes by the NHLBI Exome Sequencing Project (VS/; dbSNP rs139922045). Computational prediction tools do not provide strong su pport for or against an impact to the protein. However, alanine (Ala) at positio n 222 is not conserved in evolution and the change to threonine (Thr) is present in several species (black flying fox, megabat, and lizard), suggesting that a c hange at this position may be tolerated. In summary, while the clinical signific ance of the Ala222Thr variant is uncertain, these data suggest that it is more l ikely to be benign.

PreventionGenetics, part of Exact Sciences
Classification: Likely benign for LDB3-related condition. Last evaluated: 2022-02-28. Review status: no assertion criteria provided. Collection method: clinical testing. Allele origin: germline. Not counted in ClinVar's aggregate classification.
Comment: This variant is classified as likely benign based on ACMG/AMP sequence variant interpretation guidelines (Richards et al. 2015 PMID: 25741868, with internal and published modifications).

Literature cited by the submitters: PubMed 25617006 (cited by Women's Health and Genetics/Laboratory Corporation of America, LabCorp and Ambry Genetics); PubMed 28798025 (cited by Women's Health and Genetics/Laboratory Corporation of America, LabCorp and Ambry Genetics); PubMed 31568572 (cited by Women's Health and Genetics/Laboratory Corporation of America, LabCorp and Ambry Genetics); PubMed 25208129 (cited by Women's Health and Genetics/Laboratory Corporation of America, LabCorp); PubMed 37579221 (cited by Women's Health and Genetics/Laboratory Corporation of America, LabCorp); PubMed 25351510 (cited by Ambry Genetics).

NM_007078.3(LDB3):c.664G>A (p.Ala222Thr)

Gene: LDB3 (LIM domain binding 3; plus strand). Cytogenetic location: 10q23.2.
Variant type: single nucleotide variant.
Coding change: c.664G>A on transcript NM_007078.3 (MANE Select); coding-DNA position 664, G replaced by A.
Protein change: p.Ala222Thr; replaces alanine 222 with threonine.
Molecular consequence: missense variant. On other transcripts: intron variant (5).
Genome position (GRCh38, 1-based): chr10:86,681,778, G>A. VCF-style: chr10-86681778-G-A. GRCh37 (hg19) VCF-style: chr10-88441535-G-A.
Other names: p.A222T:GCC>ACC; c.321+1621G>A (NM_001080116.1, NM_001368068.1, NM_001368066.1 and 2 more transcripts); c.664G>A, p.Ala222Thr (NM_001080115.2, NM_001171610.2, NM_001171611.2 and 3 more transcripts); short protein forms A222T.
Identifiers: ClinVar variation 45551 (VCV000045551.75), dbSNP rs139922045, ClinGen allele CA136621.
Genomic context (GRCh38, chr10:86,681,778, plus strand): 5'-TACTCGGCAGAGACCCTGAGGGAGATGGCTCAGATGTACCAGATGAGCCTCCGAGGGAAG[G>A]CCTCGGGTGTCGGACTCCCAGGAGGGTAGGTAACGGACATACAGCTCTCCACAGGTGGCC-3'
Protein context (NP_009009.1, residues 212-232): QMYQMSLRGK[Ala222Thr]SGVGLPGGSL